The following is an entry in ClinVar:

ClinVar aggregate classification (germline): Uncertain significance. Review status: criteria provided, multiple submitters, no conflicts (2 of 4 stars). 3 submissions from 3 submitters: Uncertain significance (3). Last evaluated 2024-04-22.

Conditions:
Haddad syndrome (OHD). Also called: Ondine-Hirschsprung disease. Identifiers: Orphanet 99803, MedGen C1859049, MONDO:0020493.
Hereditary cancer-predisposing syndrome. Also called: Neoplastic Syndromes, Hereditary; Hereditary Cancer Syndrome; Tumor predisposition; Hereditary neoplastic syndrome. Identifiers: Orphanet 140162, MedGen C0027672, MeSH D009386, MONDO:0015356.
Neuroblastoma, susceptibility to, 2. Identifiers: Orphanet 635, MedGen C2751682, MONDO:0700041, OMIM 613013.

Allele frequency attached by ClinVar (database versions not stated): gnomAD exomes below 0.00001; gnomAD 0.00001.
gnomAD v4.1: 2 of 1,609,662 alleles (0.00012%); highest among the groups gnomAD compares: Non-Finnish European, 0.00017%; no homozygotes.

Submissions (3):

Labcorp Genetics (formerly Invitae), Labcorp
Classification: Uncertain significance for Haddad syndrome. Last evaluated: 2024-04-22. Review status: criteria provided, single submitter. Criteria: Invitae Variant Classification Sherloc (09022015). Collection method: clinical testing. Allele origin: germline.
Comment: This sequence change replaces leucine, which is neutral and non-polar, with proline, which is neutral and non-polar, at codon 92 of the PHOX2B protein (p.Leu92Pro). This variant is not present in population databases (gnomAD no frequency). This variant has not been reported in the literature in individuals affected with PHOX2B-related conditions. ClinVar contains an entry for this variant (Variation ID: 978535). Advanced modeling of protein sequence and biophysical properties (such as structural, functional, and spatial information, amino acid conservation, physicochemical variation, residue mobility, and thermodynamic stability) performed at Invitae indicates that this missense variant is not expected to disrupt PHOX2B protein function with a negative predictive value of 80%. In summary, the available evidence is currently insufficient to determine the role of this variant in disease. Therefore, it has been classified as a Variant of Uncertain Significance.

Baylor Genetics
Classification: Uncertain significance for Neuroblastoma, susceptibility to, 2. Last evaluated: 2024-01-17. Review status: criteria provided, single submitter. Criteria: ACMG Guidelines, 2015. Collection method: clinical testing. Allele origin: unknown.

Ambry Genetics
Classification: Uncertain significance for Hereditary cancer-predisposing syndrome. Last evaluated: 2022-05-23. Review status: criteria provided, single submitter. Criteria: Ambry Variant Classification Scheme 2023. Collection method: clinical testing. Allele origin: germline.
Comment: The p.L92P variant (also known as c.275T>C), located in coding exon 2 of the PHOX2B gene, results from a T to C substitution at nucleotide position 275. The leucine at codon 92 is replaced by proline, an amino acid with similar properties. This amino acid position is highly conserved in available vertebrate species. In addition, the in silico prediction for this alteration is inconclusive. Since supporting evidence is limited at this time, the clinical significance of this alteration remains unclear.

NM_003924.4(PHOX2B):c.275T>C (p.Leu92Pro)

Gene: PHOX2B (paired like homeobox 2B; minus strand). Cytogenetic location: 4p13.
Variant type: single nucleotide variant.
Coding change: c.275T>C on transcript NM_003924.4 (MANE Select); coding-DNA position 275, T replaced by C.
Protein change: p.Leu92Pro; replaces leucine 92 with proline.
Molecular consequence: missense variant.
Genome position (GRCh38, 1-based): chr4:41,747,503, A>G on the plus strand (T>C on the coding strand, the complement: PHOX2B is on the minus strand). VCF-style: chr4-41747503-A-G. GRCh37 (hg19) VCF-style: chr4-41749520-A-G.
Other names: short protein forms L92P.
Identifiers: ClinVar variation 978535 (VCV000978535.14), dbSNP rs1477680896, ClinGen allele CA356740495.